The following is an entry in ClinVar:

NM_198428.3(BBS9):c.259G>A (p.Val87Ile)

Gene: BBS9 (Bardet-Biedl syndrome 9; plus strand). Cytogenetic location: 7p14.3.
Variant type: single nucleotide variant.
Coding change: c.259G>A on transcript NM_198428.3 (MANE Select); coding-DNA position 259, G replaced by A.
Protein change: p.Val87Ile; replaces valine 87 with isoleucine.
Molecular consequence: missense variant. On other transcripts: 5 prime UTR variant (4), non-coding transcript variant (3), intron variant (2).
Genome position (GRCh38, 1-based): chr7:33,152,847, G>A. VCF-style: chr7-33152847-G-A. GRCh37 (hg19) VCF-style: chr7-33192459-G-A.
Other names: c.259G>A, p.Val87Ile (NM_001033605.2, NM_001348036.1, NM_001348040.3 and 5 more transcripts); c.-43G>A (NM_001348037.3, NM_001348045.3); c.-19G>A (NM_001348038.3, NM_001348039.3); c.124G>A, p.Val42Ile (NM_001348042.3); c.-39+22806G>A (NM_001348046.3, NM_001348044.3); short protein forms V87I, V42I.
Identifiers: ClinVar variation 1413469 (VCV001413469.6), dbSNP rs1255605179, ClinGen allele CA367190662.

ClinVar aggregate classification (germline): Uncertain significance (1 of 4 stars; one submission).

Conditions:
Bardet-Biedl syndrome (BBS). Identifiers: Orphanet 110, MedGen C0752166, MONDO:0015229.

Allele frequency attached by ClinVar (database versions not stated): gnomAD exomes below 0.00001.
gnomAD v4.1: 1 of 1,613,804 alleles (0.000062%); highest among the groups gnomAD compares: Admixed American, 0.0017%; no homozygotes.

Submission:

Labcorp Genetics (formerly Invitae), Labcorp
Classification: Uncertain significance for Bardet-Biedl syndrome. Last evaluated: 2024-02-17. Review status: criteria provided, single submitter. Criteria: Invitae Variant Classification Sherloc (09022015). Collection method: clinical testing. Allele origin: germline.
Comment: This sequence change replaces valine, which is neutral and non-polar, with isoleucine, which is neutral and non-polar, at codon 87 of the BBS9 protein (p.Val87Ile). This variant is present in population databases (no rsID available, gnomAD 0.003%). This variant has not been reported in the literature in individuals affected with BBS9-related conditions. ClinVar contains an entry for this variant (Variation ID: 1413469). Advanced modeling of protein sequence and biophysical properties (such as structural, functional, and spatial information, amino acid conservation, physicochemical variation, residue mobility, and thermodynamic stability) performed at Invitae indicates that this missense variant is not expected to disrupt BBS9 protein function with a negative predictive value of 80%. In summary, the available evidence is currently insufficient to determine the role of this variant in disease. Therefore, it has been classified as a Variant of Uncertain Significance.